The following is an entry in ClinVar:

ClinVar aggregate classification (germline): Uncertain significance (1 of 4 stars; one submission).

Conditions:
Perlman syndrome (PRLMNS). Identifiers: Orphanet 2849, MedGen C0796113, MONDO:0009965, OMIM 267000.

Allele frequency attached by ClinVar (database versions not stated): gnomAD exomes below 0.00001 and 0.00001; gnomAD 0.00001; TOPMed 0.00001.
gnomAD v4.1: 11 of 1,614,100 alleles (0.00068%); highest among the groups gnomAD compares: African/African-American, 0.0013%; no homozygotes.

Submission:

Labcorp Genetics (formerly Invitae), Labcorp
Classification: Uncertain significance for Perlman syndrome. Last evaluated: 2023-08-11. Review status: criteria provided, single submitter. Criteria: Invitae Variant Classification Sherloc (09022015). Collection method: clinical testing. Allele origin: germline.
Comment: In summary, the available evidence is currently insufficient to determine the role of this variant in disease. Therefore, it has been classified as a Variant of Uncertain Significance. Advanced modeling of protein sequence and biophysical properties (such as structural, functional, and spatial information, amino acid conservation, physicochemical variation, residue mobility, and thermodynamic stability) performed at Invitae indicates that this missense variant is not expected to disrupt DIS3L2 protein function. ClinVar contains an entry for this variant (Variation ID: 1378429). This variant has not been reported in the literature in individuals affected with DIS3L2-related conditions. This variant is present in population databases (no rsID available, gnomAD 0.0009%). This sequence change replaces methionine, which is neutral and non-polar, with threonine, which is neutral and polar, at codon 458 of the DIS3L2 protein (p.Met458Thr).

NM_152383.5(DIS3L2):c.1373T>C (p.Met458Thr)

Gene: DIS3L2 (DIS3 like 3'-5' exoribonuclease 2; plus strand). Cytogenetic location: 2q37.1.
Variant type: single nucleotide variant.
Coding change: c.1373T>C on transcript NM_152383.5 (MANE Select); coding-DNA position 1373, T replaced by C.
Protein change: p.Met458Thr; replaces methionine 458 with threonine.
Molecular consequence: missense variant. On other transcripts: non-coding transcript variant (2).
Genome position (GRCh38, 1-based): chr2:232,249,294, T>C. VCF-style: chr2-232249294-T-C. GRCh37 (hg19) VCF-style: chr2-233114004-T-C.
Other names: c.1373T>C, p.Met458Thr (NM_001257281.2); short protein forms M458T.
Identifiers: ClinVar variation 1378429 (VCV001378429.8), dbSNP rs1356523351, ClinGen allele CA351155466.